The following is an entry in ClinVar:

ClinVar aggregate classification (germline): Benign. Review status: criteria provided, single submitter (1 of 4 stars). 2 submissions from 2 submitters: Benign (1). 1 of the submissions does not count toward it. Last evaluated 2019-01-03.

Conditions:
BTN2A2-related disorder. Also called: BTN2A2-related condition.

Allele frequency attached by ClinVar (database versions not stated): gnomAD exomes 0.00326 and 0.00729; ExAC 0.00825; 1000 Genomes Project 0.01897; 1000 Genomes Project 30x 0.02014; gnomAD 0.02081 and 0.02225; TOPMed 0.02283; ESP Exome Variant Server 0.02407.
gnomAD v4.1: 8,163 of 1,614,182 alleles (0.51%); highest among the groups gnomAD compares: African/African-American, 6.5%; 190 homozygotes.

Submissions (2):

Labcorp Genetics (formerly Invitae), Labcorp
Classification: Benign. Last evaluated: 2019-01-03. Review status: criteria provided, single submitter. Criteria: Invitae Variant Classification Sherloc (09022015). Collection method: clinical testing. Allele origin: germline.

PreventionGenetics, part of Exact Sciences
Classification: Benign for BTN2A2-related condition. Last evaluated: 2019-10-02. Review status: no assertion criteria provided. Collection method: clinical testing. Allele origin: germline. Not counted in ClinVar's aggregate classification.
Comment: This variant is classified as benign based on ACMG/AMP sequence variant interpretation guidelines (Richards et al. 2015 PMID: 25741868, with internal and published modifications).

NM_006995.5(BTN2A2):c.1435C>T (p.Pro479Ser)

Gene: BTN2A2 (butyrophilin subfamily 2 member A2; plus strand). Cytogenetic location: 6p22.2.
Variant type: single nucleotide variant.
Coding change: c.1435C>T on transcript NM_006995.5 (MANE Select); coding-DNA position 1435, C replaced by T.
Protein change: p.Pro479Ser; replaces proline 479 with serine.
Molecular consequence: missense variant. On other transcripts: 3 prime UTR variant (1), intron variant (1).
Genome position (GRCh38, 1-based): chr6:26,392,830, C>T. VCF-style: chr6-26392830-C-T. GRCh37 (hg19) VCF-style: chr6-26393058-C-T.
Other names: c.1435C>T, p.Pro479Ser (NM_001197237.2); c.805C>T, p.Pro269Ser (NM_001197239.2); c.*535C>T (NM_001197240.2); c.1087C>T, p.Pro363Ser (NM_181531.3); c.980-1468C>T (NM_001197238.2); short protein forms P269S, P363S, P479S.
Identifiers: ClinVar variation 778227 (VCV000778227.5), dbSNP rs16891646, ClinGen allele CA3672701.